The following is an entry in ClinVar:

NM_004415.4(DSP):c.2308G>C (p.Val770Leu)

Gene: DSP (desmoplakin; plus strand). Cytogenetic location: 6p24.3.
Variant type: single nucleotide variant.
Coding change: c.2308G>C on transcript NM_004415.4 (MANE Select); coding-DNA position 2308, G replaced by C.
Protein change: p.Val770Leu; replaces valine 770 with leucine.
Molecular consequence: missense variant.
Genome position (GRCh38, 1-based): chr6:7,574,667, G>C. VCF-style: chr6-7574667-G-C. GRCh37 (hg19) VCF-style: chr6-7574900-G-C.
Other names: c.2308G>C, p.Val770Leu (NM_001008844.3, NM_001319034.2); short protein forms V770L.
Identifiers: ClinVar variation 918285 (VCV000918285.4), dbSNP rs1225927424, ClinGen allele CA362681040.

ClinVar aggregate classification (germline): Uncertain significance (1 of 4 stars; one submission).

Conditions:
Cardiomyopathy (CMYO). Also called: Cardiomyopathies. Identifiers: Orphanet 167848, MedGen C0878544, MONDO:0004994, HP:0001638. Inheritance: Various modes of inheritance.

Submission:

Color Diagnostics, LLC DBA Color Health
Classification: Uncertain significance for Cardiomyopathy. Last evaluated: 2024-03-06. Review status: criteria provided, single submitter. Criteria: ACMG Guidelines, 2015. Collection method: clinical testing. Allele origin: germline.
Comment: This missense variant replaces valine with leucine at codon 770 of the DSP protein. Computational prediction tool suggests that this variant may not impact protein structure and function (internally defined REVEL score threshold <=0.5, PMID: 27666373). Splice site prediction tools suggest that this variant may not impact RNA splicing. To our knowledge, functional studies have not been performed for this variant. This variant has not been reported in individuals affected with cardiovascular disorders in the literature. This variant has not been identified in the general population by the Genome Aggregation Database (gnomAD). The available evidence is insufficient to determine the role of this variant in disease conclusively. Therefore, this variant is classified as a Variant of Uncertain Significance.